The following is an entry in ClinVar:

ClinVar aggregate classification (germline): Pathogenic (1 of 4 stars; one submission).

Conditions:
Glycogen storage disease, type VII (GSD7). Also called: GSD VII; MUSCLE PHOSPHOFRUCTOKINASE DEFICIENCY; PFKM DEFICIENCY; TARUI DISEASE. Identifiers: Orphanet 371, MedGen C0017926, MONDO:0009295, OMIM 232800.

Submission:

Myriad Genetics, Inc.
Classification: Pathogenic for Glycogen storage disease, type VII. Last evaluated: 2024-06-20. Review status: criteria provided, single submitter. Criteria: Myriad Autosomal Dominant, Autosomal Recessive and X-Linked Classification Criteria (2023). Collection method: clinical testing. Allele origin: unknown.
Comment: NM_001166686.1(PFKM):c.1557dupA(E520Rfs*18) is expected to be pathogenic in the context of glycogen storage disease, PFKM-related. This variant is predicted to lead to an abnormal or absent protein product due to the creation of a premature termination codon in PFKM, a gene where loss-of-function variants are known to be pathogenic. Please note: this variant was assessed in the context of healthy population screening.

NM_000289.6(PFKM):c.1344dup (p.Glu449fs)

Gene: PFKM (phosphofructokinase, muscle; plus strand). Cytogenetic location: 12q13.11.
Variant type: Duplication.
Coding change: c.1344dup on transcript NM_000289.6 (MANE Select); coding-DNA position 1344, one base duplicated (A; older notation c.1344dupA).
Protein change: p.Glu449fs; shifts the reading frame from glutamic acid 449.
Molecular consequence: frameshift variant. On other transcripts: non-coding transcript variant (6).
Genome position (GRCh38, 1-based): chr12:48,141,313, A duplicated. VCF-style (leftmost placement, unchanged base first): chr12-48141312-T-TA. GRCh37 (hg19) VCF-style: chr12-48535095-T-TA.
Other names: c.1557dup, p.Glu520fs (NM_001166686.2, NM_001354737.1, NM_001354738.1 and 1 more transcripts); c.1344dup, p.Glu449fs (NM_001166687.2, NM_001166688.2, NM_001354742.2 and 2 more transcripts); c.1653dup, p.Glu552fs (NM_001354735.1, NM_001354736.1); c.1488dup, p.Glu497fs (NM_001354740.1); c.1368dup, p.Glu457fs (NM_001354741.2); c.1257dup, p.Glu420fs (NM_001354745.2); c.1218dup, p.Glu407fs (NM_001354746.2); c.1194dup, p.Glu399fs (NM_001354747.2, NM_001354748.2); and 2 more; short protein forms E399fs, E407fs, E418fs, E420fs, E449fs, E457fs, E489fs, E497fs.
Identifiers: ClinVar variation 5013217 (VCV005013217.1).